The following is an entry in ClinVar:

ClinVar aggregate classification (germline): Uncertain significance (1 of 4 stars; one submission).

gnomAD v4.1: 179 of 1,609,934 alleles (0.011%); highest among the groups gnomAD compares: South Asian, 0.19%; 1 homozygote.

Submission:

GeneDx
Classification: Uncertain significance. Last evaluated: 2025-04-30. Review status: criteria provided, single submitter. Criteria: GeneDx Variant Classification Process June 2021. Collection method: clinical testing. Allele origin: germline. Affected: yes.
Comment: In silico analysis indicates that this missense variant does not alter protein structure/function; Has not been previously published as pathogenic or benign to our knowledge

NM_014865.4(NCAPD2):c.2912C>T (p.Thr971Met)

Gene: NCAPD2 (non-SMC condensin I complex subunit D2; plus strand). Cytogenetic location: 12p13.31.
Variant type: single nucleotide variant.
Coding change: c.2912C>T on transcript NM_014865.4 (MANE Select); coding-DNA position 2912, C replaced by T.
Protein change: p.Thr971Met; replaces threonine 971 with methionine.
Molecular consequence: missense variant.
Genome position (GRCh38, 1-based): chr12:6,527,781, C>T. VCF-style: chr12-6527781-C-T. GRCh37 (hg19) VCF-style: chr12-6636947-C-T.
Other names: short protein forms T971M.
Identifiers: ClinVar variation 4527058 (VCV004527058.1).